The following is an entry in ClinVar:

NM_005120.3(MED12):c.5819C>T (p.Thr1940Ile)

Gene: MED12 (mediator complex subunit 12; plus strand). Cytogenetic location: Xq13.1.
Variant type: single nucleotide variant.
Coding change: c.5819C>T on transcript NM_005120.3 (MANE Select); coding-DNA position 5819, C replaced by T.
Protein change: p.Thr1940Ile; replaces threonine 1940 with isoleucine.
Molecular consequence: missense variant.
Genome position (GRCh38, 1-based): chrX:71,137,628, C>T. VCF-style: chrX-71137628-C-T. GRCh37 (hg19) VCF-style: chrX-70357478-C-T.
Other names: short protein forms T1940I.
Identifiers: ClinVar variation 2100755 (VCV002100755.4), dbSNP rs2519714985, ClinGen allele CA413537989.

ClinVar aggregate classification (germline): Uncertain significance (1 of 4 stars; one submission).

Conditions:
FG syndrome (FGS). Identifiers: MedGen C0220769, MONDO:0002010.

Allele frequency attached by ClinVar (database versions not stated): gnomAD exomes below 0.00001.
gnomAD v4.1: 1 of 1,208,916 alleles (0.000083%); highest among the groups gnomAD compares: Non-Finnish European, 0.00011%; no homozygotes.

Submission:

Labcorp Genetics (formerly Invitae), Labcorp
Classification: Uncertain significance for FG syndrome. Last evaluated: 2022-02-22. Review status: criteria provided, single submitter. Criteria: Invitae Variant Classification Sherloc (09022015). Collection method: clinical testing. Allele origin: germline.
Comment: In summary, the available evidence is currently insufficient to determine the role of this variant in disease. Therefore, it has been classified as a Variant of Uncertain Significance. Advanced modeling of protein sequence and biophysical properties (such as structural, functional, and spatial information, amino acid conservation, physicochemical variation, residue mobility, and thermodynamic stability) performed at Invitae indicates that this missense variant is not expected to disrupt MED12 protein function. This variant has not been reported in the literature in individuals affected with MED12-related conditions. This variant is not present in population databases (gnomAD no frequency). This sequence change replaces threonine, which is neutral and polar, with isoleucine, which is neutral and non-polar, at codon 1940 of the MED12 protein (p.Thr1940Ile).